The following is an entry in ClinVar:

ClinVar aggregate classification (germline): Uncertain significance (1 of 4 stars; one submission).

Conditions:
Familial adenomatous polyposis 1 (FAP1). Also called: FAMILIAL ADENOMATOUS POLYPOSIS 1, ATTENUATED; POLYPOSIS, ADENOMATOUS INTESTINAL. Identifiers: MedGen C2713442, MONDO:0021056, OMIM 175100. Disease mechanism: loss of function.

Submission:

Labcorp Genetics (formerly Invitae), Labcorp
Classification: Uncertain significance for Familial adenomatous polyposis 1. Last evaluated: 2024-03-16. Review status: criteria provided, single submitter. Criteria: Invitae Variant Classification Sherloc (09022015). Collection method: clinical testing. Allele origin: germline.
Comment: This sequence change replaces serine, which is neutral and polar, with arginine, which is basic and polar, at codon 1364 of the APC protein (p.Ser1364Arg). This variant is not present in population databases (gnomAD no frequency). This variant has not been reported in the literature in individuals affected with APC-related conditions. Advanced modeling of protein sequence and biophysical properties (such as structural, functional, and spatial information, amino acid conservation, physicochemical variation, residue mobility, and thermodynamic stability) performed at Invitae indicates that this missense variant is not expected to disrupt APC protein function with a negative predictive value of 95%. In summary, the available evidence is currently insufficient to determine the role of this variant in disease. Therefore, it has been classified as a Variant of Uncertain Significance.

NM_000038.6(APC):c.4092T>G (p.Ser1364Arg)

Gene: APC (APC regulator of Wnt signaling pathway; plus strand). Cytogenetic location: 5q22.2.
Variant type: single nucleotide variant.
Coding change: c.4092T>G on transcript NM_000038.6 (MANE Select); coding-DNA position 4092, T replaced by G.
Protein change: p.Ser1364Arg; replaces serine 1364 with arginine.
Molecular consequence: missense variant. On other transcripts: non-coding transcript variant (2).
Genome position (GRCh38, 1-based): chr5:112,839,686, T>G. VCF-style: chr5-112839686-T-G. GRCh37 (hg19) VCF-style: chr5-112175383-T-G.
Other names: c.4092T>G, p.Ser1364Arg (NM_001127510.3, NM_001354895.2, NM_001407450.1); c.4038T>G, p.Ser1346Arg (NM_001127511.3); c.4146T>G, p.Ser1382Arg (NM_001354896.2, NM_001407447.1, NM_001407448.1 and 1 more transcripts); c.4122T>G, p.Ser1374Arg (NM_001354897.2); c.4017T>G, p.Ser1339Arg (NM_001354898.2); c.4008T>G, p.Ser1336Arg (NM_001354899.2); c.3969T>G, p.Ser1323Arg (NM_001354900.2); c.3915T>G, p.Ser1305Arg (NM_001354901.2, NM_001407453.1); and 11 more; short protein forms S1081R, S1238R, S1305R, S1323R, S1354R, S1392R, S1235R, S1336R.
Identifiers: ClinVar variation 3635456 (VCV003635456.2).